The following is an entry in ClinVar:

NM_001165963.4(SCN1A):c.2812T>A (p.Phe938Ile)

Gene: SCN1A (sodium voltage-gated channel alpha subunit 1; minus strand). Cytogenetic location: 2q24.3.
Variant type: single nucleotide variant.
Coding change: c.2812T>A on transcript NM_001165963.4 (MANE Select); coding-DNA position 2812, T replaced by A.
Protein change: p.Phe938Ile; replaces phenylalanine 938 with isoleucine.
Molecular consequence: missense variant. On other transcripts: non-coding transcript variant (1).
Genome position (GRCh38, 1-based): chr2:166,037,910, A>T on the plus strand (T>A on the coding strand, the complement: SCN1A is on the minus strand). VCF-style: chr2-166037910-A-T. GRCh37 (hg19) VCF-style: chr2-166894420-A-T.
Other names: c.2776T>A, p.Phe926Ile (NM_001353954.2, NM_001353955.2); c.2728T>A, p.Phe910Ile (NM_001353957.2, NM_001353958.2, NM_001165964.3); c.2725T>A, p.Phe909Ile (NM_001353960.2); c.370T>A, p.Phe124Ile (NM_001353961.2); c.2779T>A, p.Phe927Ile (NM_006920.6, NM_001353949.2, NM_001353950.2 and 2 more transcripts); c.2812T>A, p.Phe938Ile (NM_001202435.3, NM_001353948.2); short protein forms F926I, F927I, F124I, F938I, F910I, F909I.
Identifiers: ClinVar variation 2006435 (VCV002006435.4), dbSNP rs2468096883, ClinGen allele CA349061318.

ClinVar aggregate classification (germline): Uncertain significance (1 of 4 stars; one submission).

Conditions:
Early-infantile DEE. Also called: Early infantile epileptic encephalopathy; Ohtahara syndrome; Early infantile epileptic encephalopathy with suppression bursts. Identifiers: Orphanet 1934, MedGen C0393706, MONDO:0800491.

Submission:

Labcorp Genetics (formerly Invitae), Labcorp
Classification: Uncertain significance for Early-infantile DEE. Last evaluated: 2022-06-14. Review status: criteria provided, single submitter. Criteria: Invitae Variant Classification Sherloc (09022015). Collection method: clinical testing. Allele origin: germline.
Comment: In summary, the available evidence is currently insufficient to determine the role of this variant in disease. Therefore, it has been classified as a Variant of Uncertain Significance. Advanced modeling of protein sequence and biophysical properties (such as structural, functional, and spatial information, amino acid conservation, physicochemical variation, residue mobility, and thermodynamic stability) performed at Invitae indicates that this missense variant is expected to disrupt SCN1A protein function. This variant has not been reported in the literature in individuals affected with SCN1A-related conditions. This variant is not present in population databases (gnomAD no frequency). This sequence change replaces phenylalanine, which is neutral and non-polar, with isoleucine, which is neutral and non-polar, at codon 938 of the SCN1A protein (p.Phe938Ile).